The following is an entry in ClinVar:

ClinVar aggregate classification (germline): Likely benign (0 of 4 stars; one submission).

Conditions:
P4HA2-related disorder. Also called: P4HA2-related condition.

Allele frequency attached by ClinVar (database versions not stated): gnomAD exomes 0.00005; 1000 Genomes Project 0.00020; 1000 Genomes Project 30x 0.00031; ESP Exome Variant Server 0.00038; gnomAD 0.00064; TOPMed 0.00067.
gnomAD v4.1: 167 of 1,613,950 alleles (0.01%); highest among the groups gnomAD compares: African/African-American, 0.19%; 1 homozygote.

Submission:

PreventionGenetics, part of Exact Sciences
Classification: Likely benign for P4HA2-related condition. Last evaluated: 2019-08-06. Review status: no assertion criteria provided. Collection method: clinical testing. Allele origin: germline.
Comment: This variant is classified as likely benign based on ACMG/AMP sequence variant interpretation guidelines (Richards et al. 2015 PMID: 25741868, with internal and published modifications).

NM_001017974.2(P4HA2):c.731G>C (p.Gly244Ala)

Gene: P4HA2 (prolyl 4-hydroxylase subunit alpha 2; minus strand). Cytogenetic location: 5q31.1.
Variant type: single nucleotide variant.
Coding change: c.731G>C on transcript NM_001017974.2 (MANE Select); coding-DNA position 731, G replaced by C.
Protein change: p.Gly244Ala; replaces glycine 244 with alanine.
Molecular consequence: missense variant.
Genome position (GRCh38, 1-based): chr5:132,209,310, C>G on the plus strand (G>C on the coding strand, the complement: P4HA2 is on the minus strand). VCF-style: chr5-132209310-C-G. GRCh37 (hg19) VCF-style: chr5-131545003-C-G.
Other names: c.731G>C, p.Gly244Ala (NM_001017973.1, NM_001142598.2, NM_001142599.2 and 6 more transcripts); short protein forms G244A.
Identifiers: ClinVar variation 3035071 (VCV003035071.2), dbSNP rs138182231, ClinGen allele CA3402631.